The following is an entry in ClinVar:

NM_016194.4(GNB5):c.262del (p.Glu88fs)

Gene: GNB5 (G protein subunit beta 5; minus strand). Cytogenetic location: 15q21.2.
Variant type: Deletion.
Coding change: c.262del on transcript NM_016194.4 (MANE Select); coding-DNA position 262, one base deleted (G; older notation c.262delG).
Protein change: p.Glu88fs; shifts the reading frame from glutamic acid 88.
Molecular consequence: frameshift variant. On other transcripts: 5 prime UTR variant (1).
Genome position (GRCh38, 1-based): chr15:52,154,053, C deleted on the plus strand (G on the coding strand, the reverse complement: GNB5 is on the minus strand); the first of 2 consecutive C bases (chr15:52,154,053-52,154,054); deleting either gives the same sequence. VCF-style (leftmost placement, unchanged base first): chr15-52154052-TC-T. GRCh37 (hg19) VCF-style: chr15-52446249-TC-T.
Other names: c.262delG (NM_016194.4); c.-21del (NM_001379343.1); c.136del, p.Glu46fs (NM_006578.4); short protein forms E46fs, E88fs.
Identifiers: ClinVar variation 1210290 (VCV001210290.5), dbSNP rs768022031, ClinGen allele CA7565887.

ClinVar aggregate classification (germline): Pathogenic. Review status: criteria provided, multiple submitters, no conflicts (2 of 4 stars). 3 submissions from 3 submitters: Pathogenic (2). 1 of the submissions does not count toward it. Last evaluated 2024-01-01.

Conditions:
GNB5-reled disorder.
GNB5-related disorder. Also called: GNB5-related condition; GNB5-related disorders.
Lodder-Merla syndrome, type 1, with impaired intellectual development and cardiac arrhythmia. Also called: Gnb5-related intellectual disability-cardiac arrhythmia syndrome; Intellectual developmental disorder with cardiac arrhythmia. Identifiers: Orphanet 542306, MedGen C5568877, MONDO:0014953, OMIM 617173.

Submissions (3):

Daryl Scott Lab, Baylor College of Medicine
Classification: Pathogenic for GNB5-reled disorder. Last evaluated: 2024-01-01. Review status: criteria provided, single submitter. Criteria: ACMG Guidelines, 2015. Collection method: clinical testing. Allele origin: maternal. Observed: 1 heterozygote.
Comment: PVS1, PS4, PM2

Women's Health and Genetics/Laboratory Corporation of America, LabCorp
Classification: Pathogenic for GNB5-Related Disorders. Last evaluated: 2022-10-28. Review status: criteria provided, single submitter. Criteria: LabCorp Variant Classification Summary - May 2015. Collection method: clinical testing. Allele origin: germline.
Comment: Variant summary: GNB5 c.262delG (p.Glu88ArgfsX8) results in a premature termination codon, predicted to cause a truncation of the encoded protein or absence of the protein due to nonsense mediated decay, which are commonly known mechanisms for disease. Truncations downstream of this position have been classified as pathogenic in ClinVar. The variant allele was found at a frequency of 2.8e-05 in 251278 control chromosomes, found exclusively within the East Asian subpopulation (at a frequency of 0.00038) in the gnomAD database. c.262delG has been reported in the literature in the homozygous state in multiple individuals affected with GNB5-Related Disorders (e.g. Poke_2019, Mai_2020). These data indicate that the variant is very likely to be associated with disease. To our knowledge, no experimental evidence demonstrating an impact on protein function has been reported. No clinical diagnostic laboratories have submitted clinical-significance assessments for this variant to ClinVar after 2014. Based on the evidence outlined above, the variant was classified as pathogenic.

GeneReviews
No classification provided. Condition: Lodder-Merla syndrome, type 1, with impaired intellectual development and cardiac arrhythmia. Review status: no classification provided. Collection method: literature only. Allele origin: germline. Not counted in ClinVar's aggregate classification.
Comment: Recurrent variant reported in two families from Cambodia and China

Literature cited by the submitters: PubMed 32987464 (cited by Women's Health and Genetics/Laboratory Corporation of America, LabCorp and GeneReviews); PubMed 31631344 (cited by Women's Health and Genetics/Laboratory Corporation of America, LabCorp and GeneReviews); NCBI Bookshelf NBK573218 (cited by GeneReviews).